The following is an entry in ClinVar:

ClinVar aggregate classification (germline): Pathogenic (1 of 4 stars; one submission).

Submission:

Labcorp Genetics (formerly Invitae), Labcorp
Classification: Pathogenic. Last evaluated: 2023-09-19. Review status: criteria provided, single submitter. Criteria: Invitae Variant Classification Sherloc (09022015). Collection method: clinical testing. Allele origin: unknown.
Comment: This variant is a gross deletion of the genomic region encompassing exon(s) 9 of the SLC27A4 gene. This deletion is out-of-frame, and is expected to create a premature termination codon and result in an absent or disrupted protein product. Loss-of-function variants in SLC27A4 are known to be pathogenic (PMID: 19631310, 21450060). This variant has not been reported in the literature in individuals affected with SLC27A4-related conditions. For these reasons, this variant has been classified as Pathogenic.

Literature cited by the submitters: PubMed 19631310; PubMed 21450060.

NC_000009.11:g.(?_131115674)_(131115840_?)del

Gene: SLC27A4 (solute carrier family 27 member 4; plus strand). Cytogenetic location: 9q34.11.
Variant type: Deletion.
Identifiers: ClinVar variation 3245333 (VCV003245333.1).